The following is an entry in ClinVar:

ClinVar aggregate classification (germline): Uncertain significance. Review status: criteria provided, multiple submitters, no conflicts (2 of 4 stars). 2 submissions from 2 submitters: Uncertain significance (2). Last evaluated 2025-05-25.

Conditions:
Inborn genetic diseases. Identifiers: MedGen C0950123, MeSH D030342.
Congenital prothrombin deficiency. Also called: Factor II deficiency; Inherited hypoprothrombinemia; Congenital factor II deficiency; Inherited prothrombin deficiency; Hereditary factor II deficiency disease; HYPOPROTHROMBINEMIA. Identifiers: Orphanet 325, MedGen C0272317, MONDO:0013361, OMIM 613679.

gnomAD v4.1: 3 of 1,614,216 alleles (0.00019%); highest among the groups gnomAD compares: Admixed American, 0.0033%; no homozygotes.

Submissions (2):

Ambry Genetics
Classification: Uncertain significance for Inborn genetic diseases. Last evaluated: 2025-05-25. Review status: criteria provided, single submitter. Criteria: Ambry Variant Classification Scheme 2023. Collection method: clinical testing. Allele origin: germline.

Labcorp Genetics (formerly Invitae), Labcorp
Classification: Uncertain significance for Congenital prothrombin deficiency. Last evaluated: 2024-04-30. Review status: criteria provided, single submitter. Criteria: Invitae Variant Classification Sherloc (09022015). Collection method: clinical testing. Allele origin: germline.
Comment: This sequence change replaces valine, which is neutral and non-polar, with leucine, which is neutral and non-polar, at codon 258 of the F2 protein (p.Val258Leu). This variant is present in population databases (no rsID available, gnomAD 0.006%). This variant has not been reported in the literature in individuals affected with F2-related conditions. Advanced modeling of protein sequence and biophysical properties (such as structural, functional, and spatial information, amino acid conservation, physicochemical variation, residue mobility, and thermodynamic stability) performed at Invitae indicates that this missense variant is not expected to disrupt F2 protein function with a negative predictive value of 80%. In summary, the available evidence is currently insufficient to determine the role of this variant in disease. Therefore, it has been classified as a Variant of Uncertain Significance.

NM_000506.5(F2):c.772G>C (p.Val258Leu)

Gene: F2 (coagulation factor II, thrombin; plus strand). Cytogenetic location: 11p11.2.
Variant type: single nucleotide variant.
Coding change: c.772G>C on transcript NM_000506.5 (MANE Select); coding-DNA position 772, G replaced by C.
Protein change: p.Val258Leu; replaces valine 258 with leucine.
Molecular consequence: missense variant.
Genome position (GRCh38, 1-based): chr11:46,726,071, G>C. VCF-style: chr11-46726071-G-C. GRCh37 (hg19) VCF-style: chr11-46747621-G-C.
Other names: c.772G>C (NM_000506.3); short protein forms V258L.
Identifiers: ClinVar variation 3710610 (VCV003710610.3).